The following is an entry in ClinVar:

NM_182641.4(BPTF):c.4722T>A (p.Asn1574Lys)

Gene: BPTF (bromodomain PHD finger transcription factor; plus strand). Cytogenetic location: 17q24.2.
Variant type: single nucleotide variant.
Coding change: c.4722T>A on transcript NM_182641.4 (MANE Select); coding-DNA position 4722, T replaced by A.
Protein change: p.Asn1574Lys; replaces asparagine 1574 with lysine.
Molecular consequence: missense variant.
Genome position (GRCh38, 1-based): chr17:67,912,606, T>A. VCF-style: chr17-67912606-T-A. GRCh37 (hg19) VCF-style: chr17-65908722-T-A.
Other names: c.4911T>A, p.Asn1637Lys (NM_001439139.1, NM_001439141.1, NM_001439143.1 and 1 more transcripts); c.5100T>A, p.Asn1700Lys (NM_001439140.1, NM_001439142.1, NM_004459.7); short protein forms N1574K, N1637K, N1700K.
Identifiers: ClinVar variation 4282108 (VCV004282108.1).

ClinVar aggregate classification (germline): Uncertain significance (1 of 4 stars; one submission).

Submission:

GeneDx
Classification: Uncertain significance. Last evaluated: 2025-04-17. Review status: criteria provided, single submitter. Criteria: GeneDx Variant Classification Process June 2021. Collection method: clinical testing. Allele origin: germline. Affected: yes.
Comment: Not observed at significant frequency in large population cohorts (gnomAD); In silico analysis supports that this missense variant has a deleterious effect on protein structure/function; Has not been previously published as pathogenic or benign to our knowledge